The following is an entry in ClinVar:

NM_015338.6(ASXL1):c.2423C>A (p.Pro808His)

Gene: ASXL1 (ASXL transcriptional regulator 1; plus strand). Cytogenetic location: 20q11.21.
Variant type: single nucleotide variant.
Coding change: c.2423C>A on transcript NM_015338.6 (MANE Select); coding-DNA position 2423, C replaced by A.
Protein change: p.Pro808His; replaces proline 808 with histidine.
Molecular consequence: missense variant.
Genome position (GRCh38, 1-based): chr20:32,435,135, C>A. VCF-style: chr20-32435135-C-A. GRCh37 (hg19) VCF-style: chr20-31022938-C-A.
Other names: c.2240C>A, p.Pro747His (NM_001363734.1); short protein forms P747H, P808H.
Identifiers: ClinVar variation 1280953 (VCV001280953.10), dbSNP rs141610022, ClinGen allele CA9808617.
Genomic context (GRCh38, chr20:32,435,135, plus strand): 5'-AATGTGAGTCTGGCACCACTTCCTGGGAAAGTGATGATGAGGAGCAAGGACCCACCGTTC[C>A]TGCAGACAATGGTCCCATTCCGTCTCTAGTGGGAGATGATACATTAGAGAAAGGAACTGG-3'
Protein context (NP_056153.2, residues 798-818): SDDEEQGPTV[Pro808His]ADNGPIPSLV

ClinVar aggregate classification (germline): Benign/Likely benign. Review status: criteria provided, multiple submitters, no conflicts (2 of 4 stars). 5 submissions from 5 submitters: Benign (2); Likely benign (3). Last evaluated 2026-09-16.

Conditions:
Inborn genetic diseases. Identifiers: MedGen C0950123, MeSH D030342.
Myeloproliferative neoplasm. Identifiers: Orphanet 98274, MedGen C1292778, MONDO:0020076.
Bohring-Opitz syndrome. Also called: OPITZ TRIGONOCEPHALY-LIKE SYNDROME; ASXL1-Related Bohring-Opitz Syndrome; C-LIKE SYNDROME; BOHRING SYNDROME. Identifiers: Orphanet 97297, MedGen C0796232, MONDO:0011510, OMIM 605039.

Allele frequency attached by ClinVar (database versions not stated): ESP Exome Variant Server 0.00008; ExAC 0.00013; gnomAD exomes 0.00014 and 0.00018.
gnomAD v4.1: 223 of 1,613,960 alleles (0.014%); highest among the groups gnomAD compares: Middle Eastern, 0.36%; 1 homozygote.

Submissions (5):

Dept of Medical Biology, Uskudar University
Classification: Likely benign for Myeloproliferative neoplasm. Last evaluated: 2026-09-16. Review status: criteria provided, single submitter. Criteria: Dept of Medical Biology Variant Classification. Collection method: research. Allele origin: germline. Affected: yes. Observed: 1 variant allele.
Comment: BS1: allele frequency 3.8e-03 in the Middle Eastern population and 1.4e-04 overall in gnomAD v4.1. BP6: classified as benign or likely benign in ClinVar (VCV001280953). The classification remains likely benign without BP6 under the point-based framework. BS1 was applied at full strength where the gnomAD v4.1 grpmax filtering allele frequency exceeds 2.5e-04 (PMID:28518168) and at supporting strength where only the unfiltered population frequency does. Classified as likely benign under the ACMG/AMP 2015 guidelines (PMID:25741868). Detected in a retrospective series of 256 BCR::ABL1-negative and JAK2 V617F-negative patients referred for molecular investigation of a suspected myeloproliferative neoplasm (May 2007 to January 2015) and re-interpreted under the ACMG/AMP 2015 criteria.

Genomic Medicine Center of Excellence, King Faisal Specialist Hospital and Research Centre
Classification: Likely benign for Bohring-Opitz syndrome. Last evaluated: 2025-09-10. Review status: criteria provided, single submitter. Criteria: ACMG Guidelines, 2015. Collection method: clinical testing. Allele origin: germline.

Labcorp Genetics (formerly Invitae), Labcorp
Classification: Benign. Last evaluated: 2025-08-07. Review status: criteria provided, single submitter. Criteria: Invitae Variant Classification Sherloc (09022015). Collection method: clinical testing. Allele origin: germline.

Ambry Genetics
Classification: Likely benign for Inborn genetic diseases. Last evaluated: 2021-08-23. Review status: criteria provided, single submitter. Criteria: Ambry Variant Classification Scheme 2023. Collection method: clinical testing. Allele origin: germline.

GeneDx
Classification: Benign. Last evaluated: 2019-09-23. Review status: criteria provided, single submitter. Criteria: GeneDx Variant Classification Process June 2021. Collection method: clinical testing. Allele origin: germline. Affected: yes.
Comment: This variant is associated with the following publications: (PMID: 30553997)